The following is an entry in ClinVar:

NM_001244008.2(KIF1A):c.1208-3C>T

Gene: KIF1A (kinesin family member 1A; minus strand). Cytogenetic location: 2q37.3.
Variant type: single nucleotide variant.
Coding change: c.1208-3C>T on transcript NM_001244008.2 (MANE Select); 3 bases into the intron before coding-DNA position 1208, C replaced by T.
Molecular consequence: intron variant. On other transcripts: missense variant (7).
Genome position (GRCh38, 1-based): chr2:240,771,107, G>A on the plus strand (C>T on the coding strand, the complement: KIF1A is on the minus strand). VCF-style: chr2-240771107-G-A. GRCh37 (hg19) VCF-style: chr2-241710524-G-A.
Other names: c.1280C>T, p.Thr427Ile (NM_001330290.2, NM_001379631.1, NM_001379634.1 and 2 more transcripts); c.1253C>T, p.Thr418Ile (NM_001379637.1, NM_001379648.1); c.1181-3C>T (NM_001379653.1, NM_001379650.1, NM_001379645.1 and 10 more transcripts); c.1208-3C>T (NM_001320705.2, NM_001379638.1, NM_001330289.2); short protein forms T418I, T427I.
Identifiers: ClinVar variation 2939162 (VCV002939162.3), dbSNP rs1201557799, ClinGen allele CA766963648.

ClinVar aggregate classification (germline): Uncertain significance (1 of 4 stars; one submission).

Conditions:
Neuropathy, hereditary sensory, type 2C. Also called: KIF1A-Related HSAN2 (HSAN2C); Hereditary sensory and autonomic neuropathy type IIC. Identifiers: Orphanet 970, MedGen C3280168, MONDO:0013634, OMIM 614213.
Hereditary spastic paraplegia 30. Identifiers: Orphanet 101010, MedGen C5235139, MONDO:0012476.
Intellectual disability, autosomal dominant 9 (NESCAVS). Also called: NESCAV SYNDROME; KIF1A-Related Neurodevelopmental Disorder. Identifiers: Orphanet 662367, MedGen C5393830, MONDO:0013656, OMIM 614255.

Allele frequency attached by ClinVar (database versions not stated): TOPMed below 0.00001; gnomAD 0.00001.
gnomAD v4.1: 1 of 1,613,388 alleles (0.000062%); highest among the groups gnomAD compares: Non-Finnish European, 0.000085%; no homozygotes.

Submission:

Labcorp Genetics (formerly Invitae), Labcorp
Classification: Uncertain significance for Hereditary spastic paraplegia 30; Neuropathy, hereditary sensory, type 2C; Intellectual disability, autosomal dominant 9. Last evaluated: 2024-01-04. Review status: criteria provided, single submitter. Criteria: Invitae Variant Classification Sherloc (09022015). Collection method: clinical testing. Allele origin: germline.
Comment: This sequence change falls in intron 12 of the KIF1A gene. It does not directly change the encoded amino acid sequence of the KIF1A protein. It affects a nucleotide within the consensus splice site. This variant is not present in population databases (gnomAD no frequency). This variant has not been reported in the literature in individuals affected with KIF1A-related conditions. Variants that disrupt the consensus splice site are a relatively common cause of aberrant splicing (PMID: 17576681, 9536098). Algorithms developed to predict the effect of sequence changes on RNA splicing suggest that this variant may disrupt the consensus splice site. In summary, the available evidence is currently insufficient to determine the role of this variant in disease. Therefore, it has been classified as a Variant of Uncertain Significance.

Literature cited by the submitters: PubMed 17576681; PubMed 9536098.